The following is an entry in ClinVar:

NM_205768.3(ZBTB18):c.1235C>T (p.Pro412Leu)

Gene: ZBTB18 (zinc finger and BTB domain containing 18; plus strand). Cytogenetic location: 1q44.
Variant type: single nucleotide variant.
Coding change: c.1235C>T on transcript NM_205768.3 (MANE Select); coding-DNA position 1235, C replaced by T.
Protein change: p.Pro412Leu; replaces proline 412 with leucine.
Molecular consequence: missense variant.
Genome position (GRCh38, 1-based): chr1:244,055,009, C>T. VCF-style: chr1-244055009-C-T. GRCh37 (hg19) VCF-style: chr1-244218311-C-T.
Other names: c.1208C>T, p.Pro403Leu (NM_001278196.2, NM_006352.5); short protein forms P403L, P412L.
Identifiers: ClinVar variation 2500516 (VCV002500516.3), dbSNP rs762962664, ClinGen allele CA1484423.

ClinVar aggregate classification (germline): Uncertain significance. Review status: criteria provided, multiple submitters, no conflicts (2 of 4 stars). 2 submissions from 2 submitters: Uncertain significance (2). Last evaluated 2024-02-18.

Allele frequency attached by ClinVar (database versions not stated): gnomAD exomes below 0.00001; ExAC 0.00001.
gnomAD v4.1: 1 of 1,614,152 alleles (0.000062%); no homozygotes.

Submissions (2):

Labcorp Genetics (formerly Invitae), Labcorp
Classification: Uncertain significance. Last evaluated: 2024-02-18. Review status: criteria provided, single submitter. Criteria: Invitae Variant Classification Sherloc (09022015). Collection method: clinical testing. Allele origin: germline.
Comment: This sequence change replaces proline, which is neutral and non-polar, with leucine, which is neutral and non-polar, at codon 412 of the ZBTB18 protein (p.Pro412Leu). This variant is present in population databases (rs762962664, gnomAD no frequency). This variant has not been reported in the literature in individuals affected with ZBTB18-related conditions. ClinVar contains an entry for this variant (Variation ID: 2500516). An algorithm developed to predict the effect of missense changes on protein structure and function (PolyPhen-2) suggests that this variant is likely to be tolerated. In summary, the available evidence is currently insufficient to determine the role of this variant in disease. Therefore, it has been classified as a Variant of Uncertain Significance.

GeneDx
Classification: Uncertain significance. Last evaluated: 2022-10-26. Review status: criteria provided, single submitter. Criteria: GeneDx Variant Classification Process June 2021. Collection method: clinical testing. Allele origin: germline. Affected: yes.
Comment: In silico analysis supports that this missense variant does not alter protein structure/function; Has not been previously published as pathogenic or benign to our knowledge